The following is an entry in ClinVar:

NC_000016.9:g.(?_70286624)_(70296447_?)dup

Gene: AARS1 (alanyl-tRNA synthetase 1; minus strand). Cytogenetic location: 16q22.1.
Variant type: Duplication.
Identifiers: ClinVar variation 1682041 (VCV001682041.5).

ClinVar aggregate classification (germline): Uncertain significance (1 of 4 stars; one submission).

Conditions:
Charcot-Marie-Tooth disease type 2. Also called: Charcot-Marie-Tooth type 2. Identifiers: Orphanet 64746, MedGen C0270914, MONDO:0018993.

Submission:

Labcorp Genetics (formerly Invitae), Labcorp
Classification: Uncertain significance for Charcot-Marie-Tooth disease type 2. Last evaluated: 2024-01-31. Review status: criteria provided, single submitter. Criteria: Invitae Variant Classification Sherloc (09022015). Collection method: clinical testing. Allele origin: germline.
Comment: This variant results in a copy number gain of the genomic region encompassing exon(s) 12-21 of the AARS gene. This region includes the termination codon of the gene. This copy number gain extends beyond the assayed region for this gene and therefore may encompass additional genes. As the precise location of this event is unknown, it may be in tandem or it may be located elsewhere in the genome. A similar copy number variant has been observed in individuals with clinical features of autosomal dominant AARS-related conditions (Invitae). In summary, the available evidence is currently insufficient to determine the role of this variant in disease. Therefore, it has been classified as a Variant of Uncertain Significance.